The following is an entry in ClinVar:

NM_001101.5(ACTB):c.224T>C (p.Ile75Thr)

Gene: ACTB (actin beta; minus strand). Cytogenetic location: 7p22.1.
Variant type: single nucleotide variant.
Coding change: c.224T>C on transcript NM_001101.5 (MANE Select); coding-DNA position 224, T replaced by C.
Protein change: p.Ile75Thr; replaces isoleucine 75 with threonine.
Molecular consequence: missense variant.
Genome position (GRCh38, 1-based): chr7:5,529,300, A>G on the plus strand (T>C on the coding strand, the complement: ACTB is on the minus strand). VCF-style: chr7-5529300-A-G. GRCh37 (hg19) VCF-style: chr7-5568931-A-G.
Other names: c.224T>C (LRG_132t1); short protein forms I75T.
Identifiers: ClinVar variation 127164 (VCV000127164.2), dbSNP rs587779771, ClinGen allele CA213210.

ClinVar aggregate classification (germline): Likely pathogenic. Review status: criteria provided, single submitter (1 of 4 stars). 2 submissions from 2 submitters: Likely pathogenic (1). 1 of the submissions does not count toward it. Last evaluated 2017-10-19.

Conditions:
Baraitser-Winter syndrome 1 (BRWS1). Also called: BARAITSER-WINTER SYNDROME 1, ATYPICAL; PACHYGYRIA, MENTAL RETARDATION, EPILEPSY, AND CHARACTERISTIC FACIES; MENTAL RETARDATION WITH EPILEPSY AND CHARACTERISTIC FACIES; Cerebrofrontofacial syndrome. Identifiers: Orphanet 2649, Orphanet 2995, MedGen C1855722, MONDO:0009470, OMIM 243310.

Submissions (2):

GeneDx
Classification: Likely pathogenic. Last evaluated: 2017-10-19. Review status: criteria provided, single submitter. Criteria: GeneDx Variant Classification (06012015). Collection method: clinical testing. Allele origin: germline. Affected: yes.
Comment: The I75T variant in the ACTB gene has been reported previously in association with Baraitser-Winter cerebrofrontofacial syndrome (Verloes et al., 2015a). The I75T variant is not observed in large population cohorts (Lek et al., 2016). The I75T variant is a non-conservative amino acid substitution, which is likely to impact secondary protein structure as these residues differ in polarity, charge, size and/or other properties. This substitution occurs at a position that is conserved across species. In silico analysis predicts this variant is probably damaging to the protein structure/function. We interpret I75T as a likely pathogenic variant.

Department of Genetics, Robert DEBRE University Hospital
Classification: Pathogenic for Iris coloboma with ptosis, hypertelorism, and mental retardation. Last evaluated: 2014-04-15. Review status: no assertion criteria provided. Collection method: clinical testing. Allele origin: germline. Affected: yes. Observed: 1 variant allele. Not counted in ClinVar's aggregate classification.

Literature cited by the submitters: PubMed 25052316 (cited by Department of Genetics, Robert DEBRE University Hospital).